The following is an entry in ClinVar:

NM_000135.4(FANCA):c.2150dup (p.Met717fs)

Gene: FANCA (FA complementation group A; minus strand). Cytogenetic location: 16q24.3.
Variant type: Duplication.
Coding change: c.2150dup on transcript NM_000135.4 (MANE Select); coding-DNA position 2150, one base duplicated (T; older notation c.2150dupT).
Protein change: p.Met717fs; shifts the reading frame from methionine 717.
Molecular consequence: frameshift variant.
Genome position (GRCh38, 1-based): chr16:89,771,679, A duplicated on the plus strand (T on the coding strand, the reverse complement: FANCA is on the minus strand). VCF-style (leftmost placement, unchanged base first): chr16-89771678-C-CA. GRCh37 (hg19) VCF-style: chr16-89838086-C-CA.
Other names: c.2150dup, p.Met717fs (NM_001286167.3); short protein forms M717fs.
Identifiers: ClinVar variation 2444131 (VCV002444131.1), dbSNP rs2544202460, ClinGen allele CA2580092375.
Genomic context (GRCh38, chr16:89,771,678, plus strand): 5'-GCCTCTGCCTAATGGAAAATGGTGAAGACCCCCTGCTTTGTTCTGAGCCCCTACACCTAC[C>CA]ATGTGTTCCCGTGGCTCCAGTCTCGGCGTGTTGATGCTGAGCTGAATCTTTGATATCTCA-3'

ClinVar aggregate classification (germline): Pathogenic (1 of 4 stars; one submission).

Conditions:
Fanconi anemia complementation group A (FANCA). Also called: Fanconi anemia, group A; FANCA-Related Fanconi Anemia. Identifiers: Orphanet 84, MedGen C3469521, MONDO:0009215, OMIM 227650.

Submission:

3billion
Classification: Pathogenic for Fanconi anemia complementation group A. Last evaluated: 2023-02-23. Review status: criteria provided, single submitter. Criteria: ACMG Guidelines, 2015. Collection method: clinical testing. Allele origin: unknown. Affected: yes.
Comment: The variant is not observed in the gnomAD v2.1.1 dataset. This homozygous variant was predicted to result in a loss or disruption of normal protein function through nonsense-mediated decay (NMD) or protein truncation. Multiple pathogenic variants are reported downstream of the variant. Therefore, this variant is classified as Pathogenic according to the recommendation of ACMG/AMP guideline.